The following is an entry in ClinVar:

ClinVar aggregate classification (germline): Pathogenic (1 of 4 stars; one submission).

Submission:

Labcorp Genetics (formerly Invitae), Labcorp
Classification: Pathogenic. Last evaluated: 2024-10-08. Review status: criteria provided, single submitter. Criteria: Invitae Variant Classification Sherloc (09022015). Collection method: clinical testing. Allele origin: germline.
Comment: This sequence change creates a premature translational stop signal (p.Pro144Thrfs*14) in the AVPR2 gene. It is expected to result in an absent or disrupted protein product. Loss-of-function variants in AVPR2 are known to be pathogenic (PMID: 8037205, 10820168). This variant is not present in population databases (gnomAD no frequency). This premature translational stop signal has been observed in individual(s) with nephrogenic diabetes insipidus (PMID: 10820167). This variant is also known as Deletion of 13 bp (498–510) . For these reasons, this variant has been classified as Pathogenic.

Literature cited by the submitters: PubMed 8037205; PubMed 10820168; PubMed 10820167.

NM_000054.7(AVPR2):c.430_442del (p.Pro144fs)

Gene: AVPR2 (arginine vasopressin receptor 2; plus strand). Cytogenetic location: Xq28.
Variant type: Deletion.
Coding change: c.430_442del on transcript NM_000054.7 (MANE Select); coding-DNA positions 430 to 442, 13 bases deleted (CCCATGCTGGCGT).
Protein change: p.Pro144fs; shifts the reading frame from proline 144.
Molecular consequence: frameshift variant.
Genome position (GRCh38, 1-based): chrX:153,905,936-153,905,948, CCCATGCTGGCGT deleted; deleting any 13 consecutive bases within chrX:153,905,933-153,905,948 gives the same sequence; the c. name uses the placement nearest the transcript's 3' end. VCF-style (leftmost placement, unchanged base first): chrX-153905932-CCGTCCCATGCTGG-C. GRCh37 (hg19) VCF-style: chrX-153171386-CCGTCCCATGCTGG-C.
Other names: c.430_442del, p.Pro144fs (NM_001146151.3); short protein forms P144fs.
Identifiers: ClinVar variation 3724655 (VCV003724655.2).